The following is an entry in ClinVar:

NM_198503.5(KCNT2):c.158del (p.Ile53fs)

Gene: KCNT2 (potassium sodium-activated channel subfamily T member 2; minus strand). Cytogenetic location: 1q31.3.
Variant type: Deletion.
Coding change: c.158del on transcript NM_198503.5 (MANE Select); coding-DNA position 158, one base deleted (T; older notation c.158delT).
Protein change: p.Ile53fs; shifts the reading frame from isoleucine 53.
Molecular consequence: frameshift variant. On other transcripts: non-coding transcript variant (2).
Genome position (GRCh38, 1-based): chr1:196,492,279, A deleted on the plus strand (T on the coding strand, the reverse complement: KCNT2 is on the minus strand). VCF-style (leftmost placement, unchanged base first): chr1-196492278-TA-T. GRCh37 (hg19) VCF-style: chr1-196461408-TA-T.
Other names: c.158del, p.Ile53fs (NM_001287819.3, NM_001287820.3); short protein forms I53fs.
Identifiers: ClinVar variation 4883882 (VCV004883882.2).

ClinVar aggregate classification (germline): Uncertain significance (1 of 4 stars; one submission).

Submission:

Dasa
Classification: Uncertain significance. Last evaluated: 2026-03-11. Review status: criteria provided, single submitter. Criteria: DASA Assertion Criteria. Collection method: clinical testing. Allele origin: germline.
Comment: NM_198503.5(KCNT2):c.158del (p.Ile53Lysfs*8) is a frameshift variant in KCNT2 predicted to alter the reading frame and introduce a premature termination codon. This variant is rare in population databases. The currently available literature and clinical evidence are not sufficient to establish a definitive association between this variant and the reported condition. Therefore, this variant is classified as a variant of uncertain significance.